The following is an entry in ClinVar:

NM_000503.6(EYA1):c.158C>T (p.Ala53Val)

Gene: EYA1 (EYA transcriptional coactivator and phosphatase 1; minus strand). Cytogenetic location: 8q13.3.
Variant type: single nucleotide variant.
Coding change: c.158C>T on transcript NM_000503.6 (MANE Select); coding-DNA position 158, C replaced by T.
Protein change: p.Ala53Val; replaces alanine 53 with valine.
Molecular consequence: missense variant. On other transcripts: 5 prime UTR variant (1).
Genome position (GRCh38, 1-based): chr8:71,334,141, G>A on the plus strand (C>T on the coding strand, the complement: EYA1 is on the minus strand). VCF-style: chr8-71334141-G-A. GRCh37 (hg19) VCF-style: chr8-72246376-G-A.
Other names: c.158C>T, p.Ala53Val (NM_001370335.1, NM_172058.4, NM_001288574.2 and 1 more transcripts); c.245C>T, p.Ala82Val (NM_001370336.1, NM_001370333.1, NM_172059.5); c.59C>T, p.Ala20Val (NM_001411797.1, NM_172060.4); c.-127C>T (NM_001288575.2); c.158C>T (NM_000503.4); short protein forms A53V, A20V, A82V.
Identifiers: ClinVar variation 1902685 (VCV001902685.6), dbSNP rs776352141, ClinGen allele CA4779874.

ClinVar aggregate classification (germline): Uncertain significance. Review status: criteria provided, multiple submitters, no conflicts (2 of 4 stars). 2 submissions from 2 submitters: Uncertain significance (2). Last evaluated 2024-01-22.

Conditions:
Melnick-Fraser syndrome (BOR). Also called: Branchiootorenal syndrome; Branchiootorenal Syndrome (BORS); Branchio-oto-renal syndrome. Identifiers: Orphanet 107, MedGen C0265234, MONDO:0007029.

Allele frequency attached by ClinVar (database versions not stated): TOPMed below 0.00001; ExAC 0.00001; gnomAD exomes 0.00001.
gnomAD v4.1: 17 of 1,613,650 alleles (0.0011%); highest among the groups gnomAD compares: Middle Eastern, 0.05%; no homozygotes.

Submissions (2):

GeneDx
Classification: Uncertain significance. Last evaluated: 2024-01-22. Review status: criteria provided, single submitter. Criteria: GeneDx Variant Classification Process June 2021. Collection method: clinical testing. Allele origin: germline. Affected: yes.
Comment: Not observed at significant frequency in large population cohorts (gnomAD); In silico analysis supports that this missense variant does not alter protein structure/function; Has not been previously published as pathogenic or benign to our knowledge

Labcorp Genetics (formerly Invitae), Labcorp
Classification: Uncertain significance for Melnick-Fraser syndrome. Last evaluated: 2023-11-27. Review status: criteria provided, single submitter. Criteria: Invitae Variant Classification Sherloc (09022015). Collection method: clinical testing. Allele origin: germline.
Comment: This sequence change replaces alanine, which is neutral and non-polar, with valine, which is neutral and non-polar, at codon 53 of the EYA1 protein (p.Ala53Val). This variant is present in population databases (rs776352141, gnomAD 0.0009%). This variant has not been reported in the literature in individuals affected with EYA1-related conditions. ClinVar contains an entry for this variant (Variation ID: 1902685). Advanced modeling of protein sequence and biophysical properties (such as structural, functional, and spatial information, amino acid conservation, physicochemical variation, residue mobility, and thermodynamic stability) performed at Invitae indicates that this missense variant is not expected to disrupt EYA1 protein function with a negative predictive value of 95%. In summary, the available evidence is currently insufficient to determine the role of this variant in disease. Therefore, it has been classified as a Variant of Uncertain Significance.